The following is an entry in ClinVar:

NM_001267550.2(TTN):c.15950A>C (p.Gln5317Pro)

Gene: TTN (titin; minus strand). Cytogenetic location: 2q31.2.
Variant type: single nucleotide variant.
Coding change: c.15950A>C on transcript NM_001267550.2 (MANE Select); coding-DNA position 15950, A replaced by C.
Protein change: p.Gln5317Pro; replaces glutamine 5317 with proline.
Molecular consequence: missense variant. On other transcripts: intron variant (3).
Genome position (GRCh38, 1-based): chr2:178,733,343, T>G on the plus strand (A>C on the coding strand, the complement: TTN is on the minus strand). VCF-style: chr2-178733343-T-G. GRCh37 (hg19) VCF-style: chr2-179598070-T-G.
Other names: c.14999A>C, p.Gln5000Pro (NM_001256850.1); c.12218A>C, p.Gln4073Pro (NM_133378.4); c.13282+4739A>C (NM_003319.4); c.13858+4739A>C (NM_133437.4); c.13657+4739A>C (NM_133432.3); short protein forms Q4073P, Q5000P, Q5317P.
Identifiers: ClinVar variation 3907081 (VCV003907081.2).

ClinVar aggregate classification (germline): Uncertain significance (1 of 4 stars; one submission).

Submission:

Women's Health and Genetics/Laboratory Corporation of America, LabCorp
Classification: Uncertain significance. Last evaluated: 2026-06-13. Review status: criteria provided, single submitter. Criteria: LabCorp Variant Classification Summary - May 2015. Collection method: clinical testing. Allele origin: germline.
Comment: Variant summary: TTN NM_133378 c.12218A>C (p.Gln4073Pro), also known as NM_001267550 c.15950A>C (p.Gln5317Pro), results in a non-conservative amino acid change in the encoded protein sequence. Algorithms developed to predict the effect of missense changes on protein structure and function are either unavailable or do not agree on the potential impact of this missense change. The variant was absent in 248504 control chromosomes. The available data on variant occurrences in the general population are insufficient to allow any conclusion about variant significance. To our knowledge, no occurrence of c.12218A>C in individuals affected with TTN-related conditions and no experimental evidence demonstrating its impact on protein function have been reported. ClinVar contains an entry for this variant (Variation ID: 3907081). Based on the evidence outlined above, the variant was classified as uncertain significance.